The following is an entry in ClinVar:

NM_001267550.2(TTN):c.77145dup (p.Ser25716fs)

Genes: TTN-AS1 (TTN antisense RNA 1; plus strand), TTN (titin; minus strand). Cytogenetic location: 2q31.2.
Variant type: Duplication.
Coding change: c.77145dup on transcript NM_001267550.2 (MANE Select); coding-DNA position 77145, one base duplicated (C; older notation c.77145dupC).
Protein change: p.Ser25716fs; shifts the reading frame from serine 25716.
Molecular consequence: frameshift variant.
Genome position (GRCh38, 1-based): chr2:178,568,987, G duplicated on the plus strand (C on the coding strand, the reverse complement: TTN is on the minus strand). VCF-style (leftmost placement, unchanged base first): chr2-178568986-A-AG. GRCh37 (hg19) VCF-style: chr2-179433713-A-AG.
Other names: c.77145dupC (NM_001267550.2); c.49950dupC (NM_003319.4); c.72222dup, p.Ser24075fs (NM_001256850.1); c.49950dup, p.Ser16651fs (NM_003319.4); c.69441dup, p.Ser23148fs (NM_133378.4); c.50325dup, p.Ser16776fs (NM_133432.3); c.50526dup, p.Ser16843fs (NM_133437.4); c.72222dupC (NM_001256850.1); and 1 more; short protein forms S23148fs, S16843fs, S16651fs, S16776fs, S24075fs, S25716fs.
Identifiers: ClinVar variation 646692 (VCV000646692.18), dbSNP rs1205409465, ClinGen allele CA430253976.

ClinVar aggregate classification (germline): Pathogenic/Likely pathogenic. Review status: criteria provided, multiple submitters, no conflicts (2 of 4 stars). 4 submissions from 4 submitters: Pathogenic (2); Likely pathogenic (2). Last evaluated 2026-08-05.

Conditions:
Dilated cardiomyopathy 1G (CMD1G). Identifiers: Orphanet 154, MedGen C1858763, MONDO:0011400, OMIM 604145.
Autosomal recessive limb-girdle muscular dystrophy type 2J (LGMDR10). Also called: Limb-girdle muscular dystrophy, type 2J; MUSCULAR DYSTROPHY, LIMB-GIRDLE, AUTOSOMAL RECESSIVE 10. Identifiers: Orphanet 140922, MedGen C1837342, MONDO:0012127, OMIM 608807.
Tibial muscular dystrophy (TMD). Also called: Udd Distal Myopathy – Tibial Muscular Dystrophy; UDD MYOPATHY; Tibial muscular dystrophy, tardive. Identifiers: Orphanet 609, MedGen C1838244, MONDO:0010870, OMIM 600334.
Myopathy, myofibrillar, 9, with early respiratory failure (MFM9). Also called: EDSTROM MYOPATHY; Hereditary myopathy with early respiratory failure; MYOPATHY, PROXIMAL, WITH EARLY RESPIRATORY MUSCLE INVOLVEMENT; Myopathy, distal, with early respiratory failure, autosomal dominant. Identifiers: Orphanet 178464, Orphanet 34521, MedGen C1863599, MONDO:0011362, OMIM 603689.
Early-onset myopathy with fatal cardiomyopathy (CMYO5). Also called: CONGENITAL MYOPATHY 5 WITH CARDIOMYOPATHY; Salih Myopathy. Identifiers: Orphanet 289377, MedGen C2673677, MONDO:0012714, OMIM 611705. Disease mechanism: loss of function.
Hypertrophic cardiomyopathy 9. Also called: Familial hypertrophic cardiomyopathy 9. Identifiers: MedGen C1861065, MONDO:0013412, OMIM 613765.
Cardiovascular phenotype. Identifiers: MedGen CN230736.

Allele frequency attached by ClinVar (database versions not stated): gnomAD 0.00001; gnomAD exomes below 0.00001; TOPMed below 0.00001.

Submissions (4):

GeneDx
Classification: Likely pathogenic. Last evaluated: 2026-08-05. Review status: criteria provided, single submitter. Criteria: GeneDx Variant Classification Process June 2021. Collection method: clinical testing. Allele origin: germline.
Comment: Identified in at least one patient with early onset atrial fibrillation in published literature; also described as c.77145dupC (PMID: 30535219, 34495297, 41166358); Frameshift variant predicted to result in protein truncation or nonsense mediated decay in a gene for which loss of function is a known mechanism of disease; Not observed at significant frequency in large population cohorts (gnomAD); This variant is associated with the following publications: (PMID: 34495297, 38438525, 30535219, 25589632, 23975875, 24575448, 41166358, 22335739, 32778822)

Ambry Genetics
Classification: Pathogenic for Cardiovascular phenotype. Last evaluated: 2026-05-15. Review status: criteria provided, single submitter. Criteria: Ambry Variant Classification Scheme 2023. Collection method: clinical testing. Allele origin: germline.
Comment: The c.49950dupC pathogenic mutation, located in coding exon 153 of the TTN gene, results from a duplication of C at nucleotide position 49950, causing a translational frameshift with a predicted alternate stop codon (p.S16651Lfs*8). This exon is located in the A-band region of the N2-B isoform of the titin protein and is constitutively expressed in TTN transcripts (percent spliced in or PSI 100%). This variant (referred to as c.77145dupC, p.Ser25716fs) was reported in an early-onset atrial fibrillation cohort (Choi SH et al. JAMA, 2018 12;320:2354-2364). This variant was also reported in individuals with dilated cardiomyopathy (Ambry internal data; external communication). This variant is considered to be rare based on population cohorts in the Genome Aggregation Database (gnomAD). This variant is expected to result in loss of function by premature protein truncation or nonsense-mediated mRNA decay. While truncating variants in TTN are present in 1-3% of the general population, truncating variants in the A-band are the most common cause of dilated cardiomyopathy (Herman DS et al. N. Engl. J. Med., 2012 Feb;366:619-28; Roberts AM et al. Sci Transl Med, 2015 Jan;7:270ra6). TTN truncating variants encoded in constitutive exons (PSI >90%) have been found to be significantly associated with DCM regardless of their position in titin (Schafer S et al. Nat. Genet., 2017 01;49:46-53; Akhtar MM et al. Circ Heart Fail, 2020 Oct;13:e006832; Massier M et al. Clin Genet, 2025 Jan). Based on the supporting evidence, this variant is interpreted as a disease-causing mutation.

Labcorp Genetics (formerly Invitae), Labcorp
Classification: Pathogenic for Dilated cardiomyopathy 1G; Autosomal recessive limb-girdle muscular dystrophy type 2J. Last evaluated: 2025-11-11. Review status: criteria provided, single submitter. Criteria: Invitae Variant Classification Sherloc (09022015). Collection method: clinical testing. Allele origin: germline.
Comment: This sequence change creates a premature translational stop signal (p.Ser25716Leufs*8) in the TTN gene. While this is not anticipated to result in nonsense mediated decay, it is expected to create a truncated TTN protein. This variant is present in population databases (no rsID available, gnomAD 0.007%). This premature translational stop signal has been observed in individuals with dilated cardiomyopathy and/or early-onset atrial fibrillation (PMID: 30535219; internal data). ClinVar contains an entry for this variant (Variation ID: 646692). This variant is located in the A band of TTN (PMID: 25589632). Truncating variants in this region are significantly overrepresented in patients affected with dilated cardiomyopathy (PMID: 25589632). Truncating variants in this region have also been reported in individuals affected with autosomal recessive centronuclear myopathy (PMID: 23975875). For these reasons, this variant has been classified as Pathogenic.

Fulgent Genetics
Classification: Likely pathogenic for Tibial muscular dystrophy; Myopathy, myofibrillar, 9, with early respiratory failure; Dilated cardiomyopathy 1G; Autosomal recessive limb-girdle muscular dystrophy type 2J; Early-onset myopathy with fatal cardiomyopathy; Hypertrophic cardiomyopathy 9. Last evaluated: 2021-07-16. Review status: criteria provided, single submitter. Criteria: ACMG Guidelines, 2015. Collection method: clinical testing. Allele origin: unknown.

Literature cited by the submitters: PubMed 30535219 (cited by Ambry Genetics and Labcorp Genetics (formerly Invitae), Labcorp); PubMed 25589632 (cited by Labcorp Genetics (formerly Invitae), Labcorp); PubMed 23975875 (cited by Labcorp Genetics (formerly Invitae), Labcorp).